The following is an entry in ClinVar:

NC_000002.11:g.(?_32449517)_(32490813_?)dup

Gene: NLRC4 (NLR family CARD domain containing 4; minus strand). Cytogenetic location: 2p22.3.
Variant type: Duplication.
Identifiers: ClinVar variation 3896132 (VCV003896132.2).

ClinVar aggregate classification (germline): Uncertain significance (1 of 4 stars; one submission).

Submission:

Women's Health and Genetics/Laboratory Corporation of America, LabCorp
Classification: Uncertain significance. Last evaluated: 2025-04-22. Review status: criteria provided, single submitter. Criteria: LabCorp Variant Classification Summary - May 2015. Collection method: clinical testing. Allele origin: germline.
Comment: Variant summary: The variant involves the duplication of exons 1-9 in the NLRC4 gene. A presumed nomenclature of c.(?_-276)_(*25_?)dup has been designated for the purposes of this classification. This duplication includes the entire coding sequence of the gene. As exact breakpoints are unknown, it may extend beyond the annotated region of the gene, to include other flanking genes. The variant was absent in 21694 control chromosomes. The available data on variant occurrences in the general population are insufficient to allow any conclusion about variant significance. To our knowledge, no occurrence of c.(?_-276)_(*25_?)dup in individuals affected with Periodic fever-infantile enterocolitis-autoinflammatory syndrome and no experimental evidence demonstrating its impact on protein function have been reported. No submitters have cited clinical-significance assessments for this variant to ClinVar. Based on the evidence outlined above, the variant was classified as uncertain significance.